The following is an entry in ClinVar:

ClinVar aggregate classification (germline): Pathogenic (1 of 4 stars; one submission).

Submission:

Clinical Genomics Laboratory, Laboratory for Precision Diagnostics, University of Washington
Classification: Pathogenic. Last evaluated: 2022-06-01. Review status: criteria provided, single submitter. Criteria: ACMG/ClinGen CNV Guidelines, 2019. Collection method: clinical testing. Allele origin: unknown. Affected: yes. Observed: 1 variant allele.
Comment: This interstitial deletion is approximately 524 kb in size and contains all or part of 5 protein-coding genes: CRHR1, SPPL2C, MAPT, STH, and KANSL1. This deletion is associated with Koolen-de Vries syndrome.

Literature cited by the submitters: PubMed 22293690.

GRCh38/hg38 17q21.31(chr17:45608559-46133622)x1

Genes: CRHR1 (corticotropin releasing hormone receptor 1), KANSL1 (KAT8 regulatory NSL complex subunit 1), LINC02210 (long intergenic non-protein coding RNA 2210), LINC02210-CRHR1 (LINC02210-CRHR1 readthrough), MAPT (microtubule associated protein tau) and 6 more. Cytogenetic location: 17q21.31.
Variant type: copy number loss.
Change: copy number 1 (one copy instead of two) of chr17:45,608,559-46,133,622 (525.1 kb, GRCh38 coordinates, 1-based), cytogenetic band 17q21.31.
Identifiers: ClinVar variation 4852040 (VCV004852040.1).